The following is an entry in ClinVar:

ClinVar aggregate classification (germline): Uncertain significance. Review status: criteria provided, multiple submitters, no conflicts (2 of 4 stars). 2 submissions from 2 submitters: Uncertain significance (2). Last evaluated 2025-09-26.

gnomAD v4.1: 9 of 1,614,194 alleles (0.00056%); highest among the groups gnomAD compares: Non-Finnish European, 0.00076%; no homozygotes.

Submissions (2):

Labcorp Genetics (formerly Invitae), Labcorp
Classification: Uncertain significance. Last evaluated: 2025-09-26. Review status: criteria provided, single submitter. Criteria: Invitae Variant Classification Sherloc (09022015). Collection method: clinical testing. Allele origin: germline.
Comment: This sequence change replaces aspartic acid, which is acidic and polar, with glycine, which is neutral and non-polar, at codon 143 of the ANKRD26 protein (p.Asp143Gly). This variant is present in population databases (rs369040103, gnomAD 0.0009%). This variant has not been reported in the literature in individuals affected with ANKRD26-related conditions. ClinVar contains an entry for this variant (Variation ID: 3379956). An algorithm developed to predict the effect of missense changes on protein structure and function (PolyPhen-2) suggests that this variant is likely to be disruptive. In summary, the available evidence is currently insufficient to determine the role of this variant in disease. Therefore, it has been classified as a Variant of Uncertain Significance.

Mayo Clinic Laboratories, Mayo Clinic
Classification: Uncertain significance. Last evaluated: 2024-07-22. Review status: criteria provided, single submitter. Criteria: ACMG Guidelines, 2015. Collection method: clinical testing. Allele origin: germline. Observed: 2 variant alleles.
Comment: PM2

NM_014915.3(ANKRD26):c.428A>G (p.Asp143Gly)

Gene: ANKRD26 (ankyrin repeat domain 26; minus strand). Cytogenetic location: 10p12.1.
Variant type: single nucleotide variant.
Coding change: c.428A>G on transcript NM_014915.3 (MANE Select); coding-DNA position 428, A replaced by G.
Protein change: p.Asp143Gly; replaces aspartic acid 143 with glycine.
Molecular consequence: missense variant.
Genome position (GRCh38, 1-based): chr10:27,093,452, T>C on the plus strand (A>G on the coding strand, the complement: ANKRD26 is on the minus strand). VCF-style: chr10-27093452-T-C. GRCh37 (hg19) VCF-style: chr10-27382381-T-C.
Other names: p.Asp143Gly; c.428A>G, p.Asp143Gly (NM_001256053.2); short protein forms D143G.
Identifiers: ClinVar variation 3379956 (VCV003379956.2).